The following is an entry in ClinVar:

ClinVar aggregate classification (germline): Uncertain significance (1 of 4 stars; one submission).

Conditions:
Hereditary cancer-predisposing syndrome. Also called: Neoplastic Syndromes, Hereditary; Tumor predisposition; Hereditary Cancer Syndrome; Hereditary neoplastic syndrome. Identifiers: Orphanet 140162, MedGen C0027672, MeSH D009386, MONDO:0015356.

Submission:

Ambry Genetics
Classification: Uncertain significance for Hereditary cancer-predisposing syndrome. Last evaluated: 2025-11-16. Review status: criteria provided, single submitter. Criteria: Ambry Variant Classification Scheme 2023. Collection method: clinical testing. Allele origin: germline.
Comment: The p.D220G variant (also known as c.659A>G), located in coding exon 3 of the XRCC2 gene, results from an A to G substitution at nucleotide position 659. The aspartic acid at codon 220 is replaced by glycine, an amino acid with similar properties. This amino acid position is conserved. In addition, this alteration is predicted to be tolerated by in silico analysis. Since supporting evidence is limited at this time, the clinical significance of this alteration remains unclear.

NM_005431.2(XRCC2):c.659A>G (p.Asp220Gly)

Gene: XRCC2 (X-ray repair cross complementing 2; minus strand). Cytogenetic location: 7q36.1.
Variant type: single nucleotide variant.
Coding change: c.659A>G on transcript NM_005431.2 (MANE Select); coding-DNA position 659, A replaced by G.
Protein change: p.Asp220Gly; replaces aspartic acid 220 with glycine.
Molecular consequence: missense variant.
Genome position (GRCh38, 1-based): chr7:152,648,826, T>C on the plus strand (A>G on the coding strand, the complement: XRCC2 is on the minus strand). VCF-style: chr7-152648826-T-C. GRCh37 (hg19) VCF-style: chr7-152345911-T-C.
Other names: short protein forms D220G.
Identifiers: ClinVar variation 1754388 (VCV001754388.3), dbSNP rs765021741, ClinGen allele CA370198229.
Genomic context (GRCh38, chr7:152,648,826, plus strand): 5'-AACATCCTGTGCTTCACCAGTTGCTGCCATGCCTTACAGAGATAAGGTCTGTAGTCTATG[T>C]CCACATCACACAGTCGTCGAGAGGCATGAGAAGGTTCTTCTGATGAGCTCGAGGCTTTCT-3'
Protein context (NP_005422.1, residues 210-230): SHASRRLCDV[Asp220Gly]IDYRPYLCKA